The following is an entry in ClinVar:

NM_001370658.1(BTD):c.-17+1G>C

Gene: BTD (biotinidase; plus strand). Cytogenetic location: 3p25.1.
Variant type: single nucleotide variant.
Coding change: c.-17+1G>C on transcript NM_001370658.1 (MANE Select); the canonical splice donor site of the intron after 17 bases upstream of the start codon, G replaced by C.
Molecular consequence: splice donor variant. On other transcripts: intron variant (4).
Genome position (GRCh38, 1-based): chr3:15,601,895, G>C. VCF-style: chr3-15601895-G-C. GRCh37 (hg19) VCF-style: chr3-15643402-G-C.
Other names: c.-17+248G>C (NM_001407365.1); c.-17+1G>C (NM_001370752.1, NM_001370753.1, NM_001407400.1 and 3 more transcripts); c.-582+1G>C (NM_001407366.1); c.-568+1G>C (NM_001407369.1); c.-191+1G>C (NM_001407374.1, NM_001407390.1); c.-174+1G>C (NM_001407372.1); c.-205+1G>C (NM_001281724.3); c.-136+1G>C (NM_001407373.1); and 6 more.
Identifiers: ClinVar variation 370391 (VCV000370391.5), dbSNP rs1057516440, ClinGen allele CA16040906.
Genomic context (GRCh38, chr3:15,601,895, plus strand): 5'-GGGCTGTAAAGGGAGAATGGCGCATGCGCATATTCAGGGCGGAAGGCGCGCTAAGAGCAG[G>C]TACGGAGGGGGCGTGGTGCGGCGCGGAGGGGGTGTGGTAAGGGCGTGCGGTCCAGACCCC-3'

ClinVar aggregate classification (germline): Pathogenic. Review status: criteria provided, single submitter (1 of 4 stars). 2 submissions from 2 submitters: Pathogenic (1). 1 of the submissions does not count toward it. Last evaluated 2024-12-23.

Conditions:
Biotinidase deficiency. Also called: BTD deficiency; Late-onset biotin-responsive multiple carboxylase deficiency; Biotin deficiency. Identifiers: Orphanet 79241, MedGen C0220754, MONDO:0009665, OMIM 253260.

Submissions (2):

Natera, Inc.
Classification: Pathogenic for Biotinidase deficiency. Last evaluated: 2024-12-23. Review status: criteria provided, single submitter. Criteria: Natera Variant Classification Schema (03/2026). Collection method: clinical testing. Allele origin: germline.
Comment: The c.-17+1G>C variant in BTD is a canonical splice donor site variant predicted to affect pre-mRNA splicing, which may result in an abnormal transcript and altered protein product. This variant is expected to result in nonsense mediated decay, truncation, or a dysfunctional protein product. This variant is rare in the general population with a frequency below the threshold expected for the associated phenotype(s). This variant has been observed in one or more individuals affected with the associated recessive disease, as either homozygous or compound heterozygous with a second variant (PMID: 38299772). Another variant at this same site results in an alteration predicted to cause a similar molecular effect has been observed in individual(s) with the associated phenotype. Given the available evidence, this variant is classified as Pathogenic.

Counsyl
Classification: Likely pathogenic for Biotinidase deficiency. Last evaluated: 2016-02-01. Review status: no assertion criteria provided. Collection method: clinical testing. Allele origin: unknown. Not counted in ClinVar's aggregate classification.

Literature cited by the submitters: PubMed 38299772 (cited by Natera, Inc.).